The following is an entry in ClinVar:

ClinVar aggregate classification (germline): Uncertain significance (1 of 4 stars; one submission).

Conditions:
Adams-Oliver syndrome 5 (AOS5). Identifiers: Orphanet 974, MedGen C4014970, MONDO:0014459, OMIM 616028.

Submission:

Labcorp Genetics (formerly Invitae), Labcorp
Classification: Uncertain significance for Adams-Oliver syndrome 5. Last evaluated: 2023-07-14. Review status: criteria provided, single submitter. Criteria: Invitae Variant Classification Sherloc (09022015). Collection method: clinical testing. Allele origin: germline.
Comment: This variant is present in population databases (no rsID available, gnomAD 0.004%). This variant, c.4956_4958del, results in the deletion of 1 amino acid(s) of the NOTCH1 protein (p.Leu1653del), but otherwise preserves the integrity of the reading frame. This variant has not been reported in the literature in individuals affected with NOTCH1-related conditions. In summary, the available evidence is currently insufficient to determine the role of this variant in disease. Therefore, it has been classified as a Variant of Uncertain Significance. Experimental studies and prediction algorithms are not available or were not evaluated, and the functional significance of this variant is currently unknown.

NM_017617.5(NOTCH1):c.4953GCT[1] (p.Leu1653del)

Gene: NOTCH1 (notch receptor 1; minus strand). Cytogenetic location: 9q34.3.
Variant type: Microsatellite.
Coding change: c.4953GCT[1] on transcript NM_017617.5 (MANE Select); one copy of the 3-base unit GCT starting at c.4953; the reference has two copies in a row; one copy, 3 bases deleted.
Protein change: p.Leu1653del; deletes leucine 1653.
Molecular consequence: inframe deletion.
Genome position (GRCh38, 1-based): chr9:136,504,733-136,504,735, AGC deleted on the plus strand (GCT on the coding strand, the reverse complement: NOTCH1 is on the minus strand); deleting any 3 consecutive bases within chr9:136,504,733-136,504,738 gives the same sequence; the position shown is the placement nearest the transcript's 3' end. VCF-style (leftmost placement, unchanged base first): chr9-136504732-GAGC-G. GRCh37 (hg19) VCF-style: chr9-139399184-GAGC-G.
Other names: short protein forms L1653del.
Identifiers: ClinVar variation 2743268 (VCV002743268.3), dbSNP rs1564190275, ClinGen allele CA591181394.